The following is an entry in ClinVar:

NM_001042492.3(NF1):c.567del (p.Lys189fs)

Gene: NF1 (neurofibromin 1; plus strand). Cytogenetic location: 17q11.2.
Variant type: Deletion.
Coding change: c.567del on transcript NM_001042492.3 (MANE Select); coding-DNA position 567, one base deleted (A; older notation c.567delA).
Protein change: p.Lys189fs; shifts the reading frame from lysine 189.
Molecular consequence: frameshift variant.
Genome position (GRCh38, 1-based): chr17:31,169,978, A deleted; the last of 4 consecutive A bases (chr17:31,169,975-31,169,978); deleting any one gives the same sequence. VCF-style (leftmost placement, unchanged base first): chr17-31169974-CA-C. GRCh37 (hg19) VCF-style: chr17-29496992-CA-C.
Other names: c.567delA, p.Lys189Asnfs (NM_000267.4); c.567del, p.Lys189fs (NM_001128147.3); short protein forms K189fs.
Identifiers: ClinVar variation 1526250 (VCV001526250.2), dbSNP rs2143708010, ClinGen allele CA2529597986.

ClinVar aggregate classification (germline): Pathogenic/Likely pathogenic. Review status: criteria provided, multiple submitters, no conflicts (2 of 4 stars). 2 submissions from 2 submitters: Pathogenic (1); Likely pathogenic (1). Last evaluated 2025-05-28.

Conditions:
Neurofibromatosis, type 1 (NF1). Also called: VON RECKLINGHAUSEN DISEASE; Neurofibromatosis, type I; Peripheral type neurofibromatosis; NEUROFIBROMATOSIS, TYPE I, SOMATIC. Identifiers: Orphanet 636, MedGen C0027831, MONDO:0018975, OMIM 162200. Disease mechanism: loss of function.

Submissions (2):

GeneDx
Classification: Pathogenic. Last evaluated: 2025-05-28. Review status: criteria provided, single submitter. Criteria: GeneDx Variant Classification Process June 2021. Collection method: clinical testing. Allele origin: germline. Affected: yes.
Comment: Frameshift variant predicted to result in protein truncation or nonsense mediated decay in a gene for which loss of function is a known mechanism of disease; Not observed at significant frequency in large population cohorts (gnomAD); This variant is associated with the following publications: (PMID: 35240321)

3billion
Classification: Likely pathogenic for Neurofibromatosis, type 1. Last evaluated: 2022-03-22. Review status: criteria provided, single submitter. Criteria: ACMG Guidelines, 2015. Collection method: clinical testing. Allele origin: germline. Affected: yes. Observed: 1 heterozygote.
Comment: Frameshift: predicted to result in a loss or disruption of normal protein function through nonsense-mediated decay (NMD) or protein truncation. Multiple pathogenic variants are reported downstream of the variant.It is not observed in the gnomAD v2.1.1 dataset. Therefore, this variant is classified as likely pathogenic according to the recommendation of ACMG/AMP guideline.